The following is an entry in ClinVar:

ClinVar aggregate classification (germline): Uncertain significance. Review status: criteria provided, multiple submitters, no conflicts (2 of 4 stars). 4 submissions from 4 submitters: Uncertain significance (2). 2 of the submissions do not count toward it. Last evaluated 2025-12-01.

Conditions:
Epilepsy, progressive myoclonic, 3, with intracellular inclusions. Identifiers: MedGen C4017260.
Progressive myoclonic epilepsy type 3. Also called: EPILEPSY, PROGRESSIVE MYOCLONIC, 3, WITHOUT INTRACELLULAR INCLUSIONS; EPILEPSY, PROGRESSIVE MYOCLONIC, 3, WITH OR WITHOUT INTRACELLULAR INCLUSIONS; CEROID LIPOFUSCINOSIS, NEURONAL, 14; KCTD7-Related Progressive Myoclonic Epilepsy. Identifiers: Orphanet 263516, MedGen C2673257, MONDO:0012721, OMIM 611726.

Allele frequency attached by ClinVar (database versions not stated): gnomAD exomes 0.00001; gnomAD 0.00001; TOPMed 0.00001; ExAC 0.00001.

Submissions (4):

3billion
Classification: Uncertain significance for Progressive myoclonic epilepsy type 3. Last evaluated: 2025-12-01. Review status: criteria provided, single submitter. Criteria: ACMG Guidelines, 2015. Collection method: clinical testing. Allele origin: germline. Affected: yes.
Comment: The variant is observed at an extremely low frequency in the gnomAD v4.1.0 dataset (total allele frequency: <0.001%). Predicted Consequence/Location: Missense variant In silico tool predictions suggest damaging effect of the variant on gene or gene product [REVEL: 0.76 (>=0.6, sensitivity 0.68 and specificity 0.92)]. The same nucleotide change resulting in the same amino acid change has been previously reported to be associated with KCTD7-related disorder (ClinVar ID: VCV000469100 /PMID: 29302074).A different missense change at the same codon (p.Gly58Ala) has been reported to be associated with KCTD7-related disorder (PMID: 33767931). However the evidence of pathogenicity is insufficient at this time. Therefore, this variant is classified as VUS according to the recommendation of ACMG/AMP guideline.

Labcorp Genetics (formerly Invitae), Labcorp
Classification: Uncertain significance for Progressive myoclonic epilepsy type 3. Last evaluated: 2022-08-09. Review status: criteria provided, single submitter. Criteria: Invitae Variant Classification Sherloc (09022015). Collection method: clinical testing. Allele origin: germline.
Comment: Algorithms developed to predict the effect of missense changes on protein structure and function (SIFT, PolyPhen-2, Align-GVGD) all suggest that this variant is likely to be disruptive. ClinVar contains an entry for this variant (Variation ID: 469100). This missense change has been observed in individual(s) with clinical features of KCTD7-related conditions (PMID: 29302074, 30500434). This variant is present in population databases (rs750033880, gnomAD 0.0009%). This sequence change replaces glycine, which is neutral and non-polar, with arginine, which is basic and polar, at codon 58 of the KCTD7 protein (p.Gly58Arg). Algorithms developed to predict the effect of sequence changes on RNA splicing suggest that this variant may create or strengthen a splice site. In summary, the available evidence is currently insufficient to determine the role of this variant in disease. Therefore, it has been classified as a Variant of Uncertain Significance.

OMIM
Classification: Pathogenic for EPILEPSY, PROGRESSIVE MYOCLONIC, 3, WITH INTRACELLULAR INCLUSIONS. Last evaluated: 2024-02-29. Review status: no assertion criteria provided. Collection method: literature only. Allele origin: germline. Not counted in ClinVar's aggregate classification.

IRCCS Fondazione Stella Maris, University of Pisa
Classification: Likely pathogenic for Progressive myoclonic epilepsy type 3. Last evaluated: 2017-08-08. Review status: no assertion criteria provided. Collection method: clinical testing. Allele origin: germline. Inheritance: Autosomal recessive inheritance. Affected: yes. Observed: 1 variant allele, 1 homozygote. Not counted in ClinVar's aggregate classification.
Comment: progressive epilepsy

Literature cited by the submitters: PubMed 33767931 (cited by 3billion); PubMed 29302074 (cited by 3billion and Labcorp Genetics (formerly Invitae), Labcorp); PubMed 30500434 (cited by Labcorp Genetics (formerly Invitae), Labcorp and OMIM).

NM_153033.5(KCTD7):c.172G>A (p.Gly58Arg)

Gene: KCTD7 (potassium channel tetramerization domain containing 7; plus strand). Cytogenetic location: 7q11.21.
Variant type: single nucleotide variant.
Coding change: c.172G>A on transcript NM_153033.5 (MANE Select); coding-DNA position 172, G replaced by A.
Protein change: p.Gly58Arg; replaces glycine 58 with arginine.
Molecular consequence: missense variant.
Genome position (GRCh38, 1-based): chr7:66,633,302, G>A. VCF-style: chr7-66633302-G-A. GRCh37 (hg19) VCF-style: chr7-66098289-G-A.
Other names: c.172G>A, p.Gly58Arg (NM_001167961.2); short protein forms G58R.
Identifiers: ClinVar variation 469100 (VCV000469100.9), dbSNP rs750033880, ClinGen allele CA4278191.